The following is an entry in ClinVar:

NM_003458.4(BSN):c.6571G>C (p.Asp2191His)

Gene: BSN (bassoon presynaptic cytomatrix protein; plus strand). Cytogenetic location: 3p21.31.
Variant type: single nucleotide variant.
Coding change: c.6571G>C on transcript NM_003458.4 (MANE Select); coding-DNA position 6571, G replaced by C.
Protein change: p.Asp2191His; replaces aspartic acid 2191 with histidine.
Molecular consequence: missense variant.
Genome position (GRCh38, 1-based): chr3:49,656,127, G>C. VCF-style: chr3-49656127-G-C. GRCh37 (hg19) VCF-style: chr3-49693560-G-C.
Other names: short protein forms D2191H.
Identifiers: ClinVar variation 4685263 (VCV004685263.2).

ClinVar aggregate classification (germline): Uncertain significance (1 of 4 stars; one submission).

Submission:

GeneDx
Classification: Uncertain significance. Last evaluated: 2026-03-27. Review status: criteria provided, single submitter. Criteria: GeneDx Variant Classification Process June 2021. Collection method: clinical testing. Allele origin: germline.
Comment: Not observed at significant frequency in large population cohorts (gnomAD); In silico analysis supports that this missense variant has a deleterious effect on protein structure/function; Has not been previously published as pathogenic or benign to our knowledge